The following is an entry in ClinVar:

NM_177438.3(DICER1):c.2646T>C (p.Asn882=)

Gene: DICER1 (dicer 1, ribonuclease III; minus strand). Cytogenetic location: 14q32.13.
Variant type: single nucleotide variant.
Coding change: c.2646T>C on transcript NM_177438.3 (MANE Select); coding-DNA position 2646, T replaced by C.
Protein change: p.Asn882=; no amino-acid change (asparagine 882 retained).
Molecular consequence: synonymous variant.
Genome position (GRCh38, 1-based): chr14:95,107,884, A>G on the plus strand (T>C on the coding strand, the complement: DICER1 is on the minus strand). VCF-style: chr14-95107884-A-G. GRCh37 (hg19) VCF-style: chr14-95574221-A-G.
Other names: c.2646T>C, p.Asn882= (NM_001195573.1, NM_001271282.3, NM_001291628.2 and 1 more transcripts).
Identifiers: ClinVar variation 417067 (VCV000417067.17), dbSNP rs1060504965, ClinGen allele CA16614231.

ClinVar aggregate classification (germline): Benign/Likely benign. Review status: criteria provided, multiple submitters, no conflicts (2 of 4 stars). 4 submissions from 4 submitters: Benign (1); Likely benign (3). Last evaluated 2026-08-19.

Conditions:
Hereditary cancer-predisposing syndrome. Also called: Hereditary Cancer Syndrome; Hereditary neoplastic syndrome; Neoplastic Syndromes, Hereditary; Tumor predisposition. Identifiers: Orphanet 140162, MedGen C0027672, MeSH D009386, MONDO:0015356.
DICER1-related tumor predisposition. Also called: DICER1-related pleuropulmonary blastoma cancer predisposition syndrome; DICER1 syndrome. Identifiers: Orphanet 284343, MedGen C3839822, MONDO:0100216.

Allele frequency attached by ClinVar (database versions not stated): gnomAD 0.00001; gnomAD exomes 0.00006; TOPMed 0.00001.
gnomAD v4.1: 46 of 1,613,480 alleles (0.0029%); highest among the groups gnomAD compares: Non-Finnish European, 0.0039%; no homozygotes.

Submissions (4):

Myriad Genetics, Inc.
Classification: Benign for DICER1-related tumor predisposition. Last evaluated: 2026-08-19. Review status: criteria provided, single submitter. Criteria: Myriad Autosomal Dominant, Autosomal Recessive and X-Linked Classification Criteria (2023). Collection method: clinical testing. Allele origin: unknown.
Comment: This variant is considered benign. This variant is a silent/synonymous amino acid change and it is not expected to impact splicing.

Labcorp Genetics (formerly Invitae), Labcorp
Classification: Likely benign for DICER1-related tumor predisposition. Last evaluated: 2025-01-23. Review status: criteria provided, single submitter. Criteria: Invitae Variant Classification Sherloc (09022015). Collection method: clinical testing. Allele origin: germline.

Sema4
Classification: Likely benign for Hereditary cancer-predisposing syndrome. Last evaluated: 2022-01-26. Review status: criteria provided, single submitter. Criteria: Sema4 Curation Guidelines. Collection method: curation. Allele origin: germline.

Ambry Genetics
Classification: Likely benign for Hereditary cancer-predisposing syndrome. Last evaluated: 2017-07-25. Review status: criteria provided, single submitter. Criteria: Ambry Variant Classification Scheme 2023. Collection method: clinical testing. Allele origin: germline.